The following is an entry in ClinVar:

NM_001354640.2(CIROP):c.1361_1363del (p.Asp454_Phe455delinsVal)

Gene: CIROP (ciliated left-right organizer metallopeptidase; minus strand). Cytogenetic location: 14q11.2.
Variant type: Deletion.
Coding change: c.1361_1363del on transcript NM_001354640.2 (MANE Select); coding-DNA positions 1361 to 1363, 3 bases deleted (ACT; older notation c.1361_1363delACT).
Protein change: p.Asp454_Phe455delinsVal.
Molecular consequence: inframe indel.
Genome position (GRCh38, 1-based): chr14:23,101,858-23,101,860, AGT deleted on the plus strand (ACT on the coding strand, the reverse complement: CIROP is on the minus strand). VCF-style (leftmost placement, unchanged base first): chr14-23101857-AAGT-A. GRCh37 (hg19) VCF-style: chr14-23571066-AAGT-A.
Other names: c.1196_1198del, p.Asp399_Phe400delinsVal (NM_001402427.1).
Identifiers: ClinVar variation 4997565 (VCV004997565.1).

ClinVar aggregate classification (germline): Uncertain significance (1 of 4 stars; one submission).

Conditions:
CIROP-related disorder. Also called: CIROP-related condition.

Submission:

PreventionGenetics, part of Exact Sciences
Classification: Uncertain significance for CIROP-related condition. Last evaluated: 2025-01-14. Review status: criteria provided, single submitter. Criteria: ACMG Guidelines, 2015. Collection method: clinical testing. Allele origin: germline.
Comment: The CIROP c.1361_1363delACT variant is predicted to result in an in-frame deletion (p.Asp454_Phe455delinsVal). To our knowledge, this variant has not been reported in the literature or in a large population database (gnomAD), indicating this variant is rare. Although we suspect that this variant may be pathogenic, at this time, the clinical significance of this variant is uncertain due to the absence of conclusive functional and genetic evidence.